The following is an entry in ClinVar:

ClinVar aggregate classification (germline): Pathogenic (1 of 4 stars; one submission).

Conditions:
Cardiovascular phenotype. Identifiers: MedGen CN230736.
Hereditary cancer-predisposing syndrome. Also called: Neoplastic Syndromes, Hereditary; Tumor predisposition; Hereditary Cancer Syndrome; Hereditary neoplastic syndrome. Identifiers: Orphanet 140162, MedGen C0027672, MeSH D009386, MONDO:0015356.

Submission:

Ambry Genetics
Classification: Pathogenic for Cardiovascular phenotype; Hereditary cancer-predisposing syndrome. Last evaluated: 2020-08-06. Review status: criteria provided, single submitter. Criteria: Ambry Variant Classification Scheme 2023. Collection method: clinical testing. Allele origin: germline.
Comment: The c.7100_7101delTT pathogenic mutation, located in coding exon 47 of the NF1 gene, results from a deletion of two nucleotides at nucleotide positions 7100 to 7101, causing a translational frameshift with a predicted alternate stop codon (p.F2367Cfs*33). This alteration is expected to result in loss of function by premature protein truncation or nonsense-mediated mRNA decay. As such, this alteration is interpreted as a disease-causing mutation.

NM_001042492.3(NF1):c.7163_7164del (p.Phe2388fs)

Gene: NF1 (neurofibromin 1; plus strand). Cytogenetic location: 17q11.2.
Variant type: Deletion.
Coding change: c.7163_7164del on transcript NM_001042492.3 (MANE Select); coding-DNA positions 7163 to 7164, 2 bases deleted (TT; older notation c.7163_7164delTT).
Protein change: p.Phe2388fs; shifts the reading frame from phenylalanine 2388.
Molecular consequence: frameshift variant.
Genome position (GRCh38, 1-based): chr17:31,343,109-31,343,110, TT deleted; deleting any 2 consecutive bases within chr17:31,343,108-31,343,110 gives the same sequence; the c. name uses the placement nearest the transcript's 3' end. VCF-style (leftmost placement, unchanged base first): chr17-31343107-CTT-C. GRCh37 (hg19) VCF-style: chr17-29670125-CTT-C.
Other names: c.7100_7101delTT (NM_000267.3); c.7100_7101delTT, p.Phe2367Cysfs (NM_000267.4); short protein forms F2388fs, F2367fs.
Identifiers: ClinVar variation 1757187 (VCV001757187.2), dbSNP rs2508780195, ClinGen allele CA2580093266.